The following is an entry in ClinVar:

NM_172107.4(KCNQ2):c.1024-1G>A

Gene: KCNQ2 (potassium voltage-gated channel subfamily Q member 2; minus strand). Cytogenetic location: 20q13.33.
Variant type: single nucleotide variant.
Coding change: c.1024-1G>A on transcript NM_172107.4 (MANE Select); the canonical splice acceptor site of the intron before coding-DNA position 1024, G replaced by A.
Molecular consequence: splice acceptor variant.
Genome position (GRCh38, 1-based): chr20:63,433,904, C>T on the plus strand (G>A on the coding strand, the complement: KCNQ2 is on the minus strand). VCF-style: chr20-63433904-C-T. GRCh37 (hg19) VCF-style: chr20-62065257-C-T.
Other names: c.1024-1G>A (NM_004518.6, NM_172108.5, NM_172106.3 and 2 more transcripts).
Identifiers: ClinVar variation 2710265 (VCV002710265.3), dbSNP rs2516365119, ClinGen allele CA409651315.
Genomic context (GRCh38, chr20:63,433,904, plus strand): 5'-CTGCCACGTGGAGTGCAGGTCTGTGCGCGAGAGGTTGGTGGCGTAGAATCTCCAGGCCGA[C>T]TGCGGAGGGAAAGACAAGGCAGTTGGCGAGGGGCAGGCGGCGAGGGGCGCGCCCAGGAGG-3'

ClinVar aggregate classification (germline): Pathogenic (1 of 4 stars; one submission).

Conditions:
Early-infantile DEE. Also called: Early infantile epileptic encephalopathy with suppression bursts; Early infantile epileptic encephalopathy; Ohtahara syndrome. Identifiers: Orphanet 1934, MedGen C0393706, MONDO:0800491.

Submission:

Labcorp Genetics (formerly Invitae), Labcorp
Classification: Pathogenic for Early-infantile DEE. Last evaluated: 2024-06-28. Review status: criteria provided, single submitter. Criteria: Invitae Variant Classification Sherloc (09022015). Collection method: clinical testing. Allele origin: germline.
Comment: This sequence change affects an acceptor splice site in intron 7 of the KCNQ2 gene. It is expected to disrupt RNA splicing. Variants that disrupt the donor or acceptor splice site typically lead to a loss of protein function (PMID: 16199547), and loss-of-function variants in KCNQ2 are known to be pathogenic (PMID: 14534157, 23692823, 27779742). This variant is not present in population databases (gnomAD no frequency). Disruption of this splice site has been observed in individuals with developmental and epileptic encephalopathy (PMID: 25959266; Invitae). Algorithms developed to predict the effect of sequence changes on RNA splicing suggest that this variant may disrupt the consensus splice site. For these reasons, this variant has been classified as Pathogenic.

Literature cited by the submitters: PubMed 16199547; PubMed 14534157; PubMed 23692823; PubMed 27779742; PubMed 25959266.